The following is an entry in ClinVar:

ClinVar aggregate classification (germline): Uncertain significance (1 of 4 stars; one submission).

Allele frequency attached by ClinVar (database versions not stated): gnomAD exomes below 0.00001.
gnomAD v4.1: 4 of 1,614,166 alleles (0.00025%); highest among the groups gnomAD compares: Middle Eastern, 0.016%; no homozygotes.

Submission:

CeGaT Center for Human Genetics Tuebingen
Classification: Uncertain significance. Last evaluated: 2024-01-01. Review status: criteria provided, single submitter. Criteria: CeGaT Center For Human Genetics Tuebingen Variant Classification Criteria Version 2. Collection method: clinical testing. Allele origin: germline. Affected: yes. Observed: 1 variant allele.
Comment: CDHR1: PM2

NM_033100.4(CDHR1):c.1291T>C (p.Phe431Leu)

Gene: CDHR1 (cadherin related family member 1; plus strand). Cytogenetic location: 10q23.1.
Variant type: single nucleotide variant.
Coding change: c.1291T>C on transcript NM_033100.4 (MANE Select); coding-DNA position 1291, T replaced by C.
Protein change: p.Phe431Leu; replaces phenylalanine 431 with leucine.
Molecular consequence: missense variant.
Genome position (GRCh38, 1-based): chr10:84,208,852, T>C. VCF-style: chr10-84208852-T-C. GRCh37 (hg19) VCF-style: chr10-85968608-T-C.
Other names: c.1291T>C, p.Phe431Leu (NM_001171971.3); short protein forms F431L.
Identifiers: ClinVar variation 3026107 (VCV003026107.22), dbSNP rs2492523127, ClinGen allele CA377375706.
Genomic context (GRCh38, chr10:84,208,852, plus strand): 5'-CAGACAGTCCTGAATGAAGCCCAAGTCACAATCATTGTGGAGAACTCAGCTGCCATTGAC[T>C]TTGAAAAGTCCAAAGTATTAACCTTCAAGGTAGGTGGTGCCCTGAATTCACTGCCCTGAA-3'
Protein context (NP_149091.1, residues 421-441): IIVENSAAID[Phe431Leu]EKSKVLTFKL